The following is an entry in ClinVar:

ClinVar aggregate classification (germline): Uncertain significance (1 of 4 stars; one submission).

gnomAD v4.1: 83 of 1,179,974 alleles (0.007%); highest among the groups gnomAD compares: Non-Finnish European, 0.0081%; no homozygotes.

Submission:

Ambry Genetics
Classification: Uncertain significance. Last evaluated: 2025-10-18. Review status: criteria provided, single submitter. Criteria: Ambry Variant Classification Scheme 2023. Collection method: clinical testing. Allele origin: germline.
Comment: The c.691C>T (p.R231W) alteration is located in exon 6 (coding exon 6) of the CCDC22 gene. This alteration results from a C to T substitution at nucleotide position 691, causing the arginine (R) at amino acid position 231 to be replaced by a tryptophan (W). Based on data from gnomAD, the T allele has an overall frequency of 0.003% (4/155362) total alleles studied. The highest observed frequency was 0.006% (4/67337) of European (non-Finnish) alleles. Based on insufficient or conflicting evidence, the clinical significance of this alteration remains unclear.

NM_014008.5(CCDC22):c.691C>T (p.Arg231Trp)

Gene: CCDC22 (CCC complex scaffolding subunit CCDC22; plus strand). Cytogenetic location: Xp11.23.
Variant type: single nucleotide variant.
Coding change: c.691C>T on transcript NM_014008.5 (MANE Select); coding-DNA position 691, C replaced by T.
Protein change: p.Arg231Trp; replaces arginine 231 with tryptophan.
Molecular consequence: missense variant.
Genome position (GRCh38, 1-based): chrX:49,243,439, C>T. VCF-style: chrX-49243439-C-T. GRCh37 (hg19) VCF-style: chrX-49099905-C-T.
Other names: short protein forms R231W.
Identifiers: ClinVar variation 4649431 (VCV004649431.1).